The following is an entry in ClinVar:

NM_000091.5(COL4A3):c.2021-4_2025del

Genes: COL4A3 (collagen type IV alpha 3 chain; plus strand), MFF-DT (MFF divergent transcript; minus strand). Cytogenetic location: 2q36.3.
Variant type: Deletion.
Coding change: c.2021-4_2025del on transcript NM_000091.5 (MANE Select); 4 bases into the intron before coding-DNA position 2021 through coding-DNA position 2025, 9 bases deleted (TAAGGTATC; older notation c.2021-4_2025delTAAGGTATC).
Molecular consequence: splice acceptor variant.
Genome position (GRCh38, 1-based): chr2:227,277,445-227,277,453, TAAGGTATC deleted; deleting any 9 consecutive bases within chr2:227,277,443-227,277,453 gives the same sequence; the c. name uses the placement nearest the transcript's 3' end. VCF-style (leftmost placement, unchanged base first): chr2-227277442-TTCTAAGGTA-T. GRCh37 (hg19) VCF-style: chr2-228142158-TTCTAAGGTA-T.
Identifiers: ClinVar variation 4853870 (VCV004853870.1).

ClinVar aggregate classification (germline): Pathogenic (1 of 4 stars; one submission).

Conditions:
Autosomal dominant Alport syndrome (ATS3A). Also called: ALPORT SYNDROME 3A, AUTOSOMAL DOMINANT; Alport syndrome dominant type; Renal failure and sensorineural hearing loss. Identifiers: Orphanet 63, Orphanet 88918, MedGen C5882663, MONDO:0007086, OMIM 104200.

Submission:

Centre de Génétique Humaine, Institut de Pathologie Et de Génétique
Classification: Pathogenic for Autosomal dominant Alport syndrome. Last evaluated: 2026-03-20. Review status: criteria provided, single submitter. Criteria: ACMG Guidelines, 2015. Collection method: clinical testing. Allele origin: germline. Inheritance: Autosomal dominant inheritance. Affected: yes. Observed: 1 variant allele, 1 heterozygote. Segregation with disease not observed.
Comment: This variant delates 9 bp (splice canonical acceptor site of intron 27 and first nucleotides of exon 28) (PVS1). This variant is rare: absent in gnomAD v4.1.0 database (PM2).

Literature cited by the submitters: PubMed 38972501.